The following is an entry in ClinVar:

NM_000179.3(MSH6):c.1694T>A (p.Leu565Gln)

Gene: MSH6 (mutS homolog 6; plus strand). Cytogenetic location: 2p16.3.
Variant type: single nucleotide variant.
Coding change: c.1694T>A on transcript NM_000179.3 (MANE Select); coding-DNA position 1694, T replaced by A.
Protein change: p.Leu565Gln; replaces leucine 565 with glutamine.
Molecular consequence: missense variant. On other transcripts: non-coding transcript variant (4), intron variant (2).
Genome position (GRCh38, 1-based): chr2:47,799,677, T>A. VCF-style: chr2-47799677-T-A. GRCh37 (hg19) VCF-style: chr2-48026816-T-A.
Other names: c.1304T>A, p.Leu435Gln (NM_001281492.2); c.788T>A, p.Leu263Gln (NM_001281493.2, NM_001281494.2, NM_001406811.1 and 6 more transcripts); c.1790T>A, p.Leu597Gln (NM_001406795.1, NM_001406802.1); c.1694T>A, p.Leu565Gln (NM_001406796.1, NM_001406798.1, NM_001406800.1 and 3 more transcripts); c.1397T>A, p.Leu466Gln (NM_001406797.1, NM_001406801.1, NM_001406805.1 and 10 more transcripts); c.1169T>A, p.Leu390Gln (NM_001406799.1, NM_001406806.1, NM_001406807.1); c.1616T>A, p.Leu539Gln (NM_001406804.1); c.1700T>A, p.Leu567Gln (NM_001406813.1); and 3 more; short protein forms L567Q, L263Q, L390Q, L597Q, L435Q, L466Q, L509Q, L539Q.
Identifiers: ClinVar variation 2587367 (VCV002587367.2), dbSNP rs2530625148, ClinGen allele CA346747535.
Genomic context (GRCh38, chr2:47,799,677, plus strand): 5'-AAGAGGAAGATTCTTCTGGCCATACTCGTGCATATGGTGTGTGCTTTGTTGATACTTCAC[T>A]GGGAAAGTTTTTCATAGGTCAGTTTTCAGATGATCGCCATTGTTCGAGATTTAGGACTCT-3'
Protein context (NP_000170.1, residues 555-575): AYGVCFVDTS[Leu565Gln]GKFFIGQFSD

ClinVar aggregate classification (germline): Uncertain significance (1 of 4 stars; one submission).

Conditions:
Hereditary cancer-predisposing syndrome. Also called: Tumor predisposition; Hereditary Cancer Syndrome; Hereditary neoplastic syndrome; Neoplastic Syndromes, Hereditary. Identifiers: Orphanet 140162, MedGen C0027672, MeSH D009386, MONDO:0015356.

Submission:

Ambry Genetics
Classification: Uncertain significance for Hereditary cancer-predisposing syndrome. Last evaluated: 2023-09-11. Review status: criteria provided, single submitter. Criteria: Ambry Variant Classification Scheme 2023. Collection method: clinical testing. Allele origin: germline.
Comment: The p.L565Q variant (also known as c.1694T>A), located in coding exon 4 of the MSH6 gene, results from a T to A substitution at nucleotide position 1694. The leucine at codon 565 is replaced by glutamine, an amino acid with dissimilar properties. This amino acid position is conserved. In addition, the in silico prediction for this alteration is inconclusive. Since supporting evidence is limited at this time, the clinical significance of this alteration remains unclear.